The following is an entry in ClinVar:

NM_001364905.1(LRBA):c.8096G>C (p.Gly2699Ala)

Gene: LRBA (LPS responsive beige-like anchor protein; minus strand). Cytogenetic location: 4q31.3.
Variant type: single nucleotide variant.
Coding change: c.8096G>C on transcript NM_001364905.1 (MANE Select); coding-DNA position 8096, G replaced by C.
Protein change: p.Gly2699Ala; replaces glycine 2699 with alanine.
Molecular consequence: missense variant.
Genome position (GRCh38, 1-based): chr4:150,285,956, C>G on the plus strand (G>C on the coding strand, the complement: LRBA is on the minus strand). VCF-style: chr4-150285956-C-G. GRCh37 (hg19) VCF-style: chr4-151207108-C-G.
Other names: c.8093G>C, p.Gly2698Ala (NM_001199282.3); c.8111G>C, p.Gly2704Ala (NM_001367550.1); c.8129G>C, p.Gly2710Ala (NM_006726.5); short protein forms G2710A, G2704A, G2698A, G2699A.
Identifiers: ClinVar variation 1409485 (VCV001409485.7), dbSNP rs149921935, ClinGen allele CA3101440.

ClinVar aggregate classification (germline): Uncertain significance. Review status: criteria provided, multiple submitters, no conflicts (2 of 4 stars). 2 submissions from 2 submitters: Uncertain significance (2). Last evaluated 2024-01-16.

Conditions:
Combined immunodeficiency due to LRBA deficiency. Also called: Common variable immunodeficiency 8, with autoimmunity. Identifiers: Orphanet 445018, MedGen C3553512, MONDO:0013863, OMIM 614700.
Inborn genetic diseases. Identifiers: MedGen C0950123, MeSH D030342.

Allele frequency attached by ClinVar (database versions not stated): gnomAD exomes below 0.00001 and 0.00001; TOPMed below 0.00001; gnomAD 0.00001; ExAC 0.00002; ESP Exome Variant Server 0.00008.
gnomAD v4.1: 5 of 1,589,578 alleles (0.00031%); highest among the groups gnomAD compares: Non-Finnish European, 0.000085%; no homozygotes.

Submissions (2):

Ambry Genetics
Classification: Uncertain significance for Inborn genetic diseases. Last evaluated: 2024-01-16. Review status: criteria provided, single submitter. Criteria: Ambry Variant Classification Scheme 2023. Collection method: clinical testing. Allele origin: germline.

Labcorp Genetics (formerly Invitae), Labcorp
Classification: Uncertain significance for Combined immunodeficiency due to LRBA deficiency. Last evaluated: 2021-07-12. Review status: criteria provided, single submitter. Criteria: Invitae Variant Classification Sherloc (09022015). Collection method: clinical testing. Allele origin: germline.
Comment: Algorithms developed to predict the effect of missense changes on protein structure and function are either unavailable or do not agree on the potential impact of this missense change (SIFT: "Tolerated"; PolyPhen-2: "Probably Damaging"; Align-GVGD: "Class C0"). This variant has not been reported in the literature in individuals affected with LRBA-related conditions. This variant is present in population databases (rs149921935, ExAC 0.003%). This sequence change replaces glycine with alanine at codon 2710 of the LRBA protein (p.Gly2710Ala). The glycine residue is moderately conserved and there is a small physicochemical difference between glycine and alanine. In summary, the available evidence is currently insufficient to determine the role of this variant in disease. Therefore, it has been classified as a Variant of Uncertain Significance.